The following is an entry in ClinVar:

NM_004130.4(GYG1):c.36C>G (p.Asn12Lys)

Gene: GYG1 (glycogenin 1; plus strand). Cytogenetic location: 3q24.
Variant type: single nucleotide variant.
Coding change: c.36C>G on transcript NM_004130.4 (MANE Select); coding-DNA position 36, C replaced by G.
Protein change: p.Asn12Lys; replaces asparagine 12 with lysine.
Molecular consequence: missense variant.
Genome position (GRCh38, 1-based): chr3:148,994,170, C>G. VCF-style: chr3-148994170-C-G. GRCh37 (hg19) VCF-style: chr3-148711957-C-G.
Other names: c.36C>G, p.Asn12Lys (NM_001184720.2, NM_001184721.2); short protein forms N12K.
Identifiers: ClinVar variation 1492054 (VCV001492054.4), dbSNP rs761710847, ClinGen allele CA2658442.

ClinVar aggregate classification (germline): Uncertain significance (1 of 4 stars; one submission).

Conditions:
Polyglucosan body myopathy type 2. Identifiers: Orphanet 456369, MedGen C4015452, MONDO:0014526, OMIM 616199.
Glycogen storage disease XV (GSD15). Also called: GLYCOGENIN DEFICIENCY; GSD XV. Identifiers: Orphanet 263297, MedGen C3150754, MONDO:0013291, OMIM 613507.

gnomAD v4.1: 3 of 1,613,122 alleles (0.00019%); highest among the groups gnomAD compares: Admixed American, 0.0017%; no homozygotes.

Submission:

Labcorp Genetics (formerly Invitae), Labcorp
Classification: Uncertain significance for Polyglucosan body myopathy type 2; Glycogen storage disease XV. Last evaluated: 2021-12-02. Review status: criteria provided, single submitter. Criteria: Invitae Variant Classification Sherloc (09022015). Collection method: clinical testing. Allele origin: germline.
Comment: In summary, the available evidence is currently insufficient to determine the role of this variant in disease. Therefore, it has been classified as a Variant of Uncertain Significance. Algorithms developed to predict the effect of sequence changes on RNA splicing suggest that this variant may create or strengthen a splice site. Algorithms developed to predict the effect of missense changes on protein structure and function are either unavailable or do not agree on the potential impact of this missense change (SIFT: "Deleterious"; PolyPhen-2: "Probably Damaging"; Align-GVGD: "Class C0"). This variant has not been reported in the literature in individuals affected with GYG1-related conditions. This variant is present in population databases (rs761710847, gnomAD 0.003%). This sequence change replaces asparagine, which is neutral and polar, with lysine, which is basic and polar, at codon 12 of the GYG1 protein (p.Asn12Lys).